The following is an entry in ClinVar:

ClinVar aggregate classification (germline): Likely benign. Review status: criteria provided, multiple submitters, no conflicts (2 of 4 stars). 4 submissions from 4 submitters: Likely benign (4). Last evaluated 2026-01-02.

Conditions:
Myofibrillar myopathy 5. Also called: FILAMINOPATHY, AUTOSOMAL DOMINANT; Filaminopathy (type). Identifiers: Orphanet 171445, MedGen C1836050, MONDO:0012289, OMIM 609524.
Distal myopathy with posterior leg and anterior hand involvement. Also called: WILLIAMS DISTAL MYOPATHY. Identifiers: Orphanet 63273, MedGen C3279722, MONDO:0013550, OMIM 614065.
Hypertrophic cardiomyopathy 26. Also called: Cardiomyopathy, familial hypertrophic, 26. Identifiers: Orphanet 75249, MedGen C4310749, MONDO:0014883, OMIM 617047.
Cardiovascular phenotype. Identifiers: MedGen CN230736.

Allele frequency attached by ClinVar (database versions not stated): gnomAD exomes 0.00001 and 0.00003; gnomAD 0.00002; ExAC 0.00003; TOPMed 0.00003.
gnomAD v4.1: 9 of 1,613,994 alleles (0.00056%); highest among the groups gnomAD compares: Admixed American, 0.013%; no homozygotes.

Submissions (4):

Women's Health and Genetics/Laboratory Corporation of America, LabCorp
Classification: Likely benign. Last evaluated: 2026-01-02. Review status: criteria provided, single submitter. Criteria: LabCorp Variant Classification Summary - May 2015. Collection method: clinical testing. Allele origin: germline.

Labcorp Genetics (formerly Invitae), Labcorp
Classification: Likely benign for Distal myopathy with posterior leg and anterior hand involvement; Myofibrillar myopathy 5; Hypertrophic cardiomyopathy 26. Last evaluated: 2025-11-16. Review status: criteria provided, single submitter. Criteria: Invitae Variant Classification Sherloc (09022015). Collection method: clinical testing. Allele origin: germline.

Mayo Clinic Laboratories, Mayo Clinic
Classification: Likely benign. Last evaluated: 2025-06-16. Review status: criteria provided, single submitter. Criteria: ACMG Guidelines, 2015. Collection method: clinical testing. Allele origin: germline. Observed: 1 variant allele.
Comment: BP4, BP7

Ambry Genetics
Classification: Likely benign for Cardiovascular phenotype. Last evaluated: 2020-02-02. Review status: criteria provided, single submitter. Criteria: Ambry Variant Classification Scheme 2023. Collection method: clinical testing. Allele origin: germline.

NM_001458.5(FLNC):c.3405T>C (p.Phe1135=)

Gene: FLNC (filamin C; plus strand). Cytogenetic location: 7q32.1.
Variant type: single nucleotide variant.
Coding change: c.3405T>C on transcript NM_001458.5 (MANE Select); coding-DNA position 3405, T replaced by C.
Protein change: p.Phe1135=; no amino-acid change (phenylalanine 1135 retained).
Molecular consequence: synonymous variant.
Genome position (GRCh38, 1-based): chr7:128,844,870, T>C. VCF-style: chr7-128844870-T-C. GRCh37 (hg19) VCF-style: chr7-128484924-T-C.
Other names: p.Phe1135=; c.3405T>C, p.Phe1135= (NM_001127487.2).
Identifiers: ClinVar variation 704247 (VCV000704247.13), dbSNP rs775337940, ClinGen allele CA4475030.